The following is an entry in ClinVar:

NM_004260.4(RECQL4):c.226C>T (p.Arg76Cys)

Gene: RECQL4 (RecQ like helicase 4; minus strand). Cytogenetic location: 8q24.3.
Variant type: single nucleotide variant.
Coding change: c.226C>T on transcript NM_004260.4 (MANE Select); coding-DNA position 226, C replaced by T.
Protein change: p.Arg76Cys; replaces arginine 76 with cysteine.
Molecular consequence: missense variant.
Genome position (GRCh38, 1-based): chr8:144,517,178, G>A on the plus strand (C>T on the coding strand, the complement: RECQL4 is on the minus strand). VCF-style: chr8-144517178-G-A. GRCh37 (hg19) VCF-style: chr8-145742562-G-A.
Other names: short protein forms R76C.
Identifiers: ClinVar variation 933710 (VCV000933710.7), dbSNP rs1815254850, ClinGen allele CA372692352.

ClinVar aggregate classification (germline): Uncertain significance. Review status: criteria provided, multiple submitters, no conflicts (2 of 4 stars). 2 submissions from 2 submitters: Uncertain significance (2). Last evaluated 2025-06-29.

Conditions:
Inborn genetic diseases. Identifiers: MedGen C0950123, MeSH D030342.
Baller-Gerold syndrome (BGS). Also called: CRANIOSYNOSTOSIS WITH RADIAL DEFECTS. Identifiers: Orphanet 1225, MedGen C0265308, MONDO:0009039, OMIM 218600.

Allele frequency attached by ClinVar (database versions not stated): gnomAD exomes 0.00001; TOPMed 0.00001.
gnomAD v4.1: 3 of 1,605,160 alleles (0.00019%); highest among the groups gnomAD compares: Non-Finnish European, 0.00025%; no homozygotes.

Submissions (2):

Ambry Genetics
Classification: Uncertain significance for Inborn genetic diseases. Last evaluated: 2025-06-29. Review status: criteria provided, single submitter. Criteria: Ambry Variant Classification Scheme 2023. Collection method: clinical testing. Allele origin: germline.
Comment: The p.R76C variant (also known as c.226C>T), located in coding exon 4 of the RECQL4 gene, results from a C to T substitution at nucleotide position 226. The arginine at codon 76 is replaced by cysteine, an amino acid with highly dissimilar properties. This amino acid position is conserved. In addition, this alteration is predicted to be tolerated by in silico analysis. Based on the available evidence, the clinical significance of this variant remains unclear.

Labcorp Genetics (formerly Invitae), Labcorp
Classification: Uncertain significance for Baller-Gerold syndrome. Last evaluated: 2024-04-23. Review status: criteria provided, single submitter. Criteria: Invitae Variant Classification Sherloc (09022015). Collection method: clinical testing. Allele origin: germline.
Comment: This sequence change replaces arginine, which is basic and polar, with cysteine, which is neutral and slightly polar, at codon 76 of the RECQL4 protein (p.Arg76Cys). This variant is not present in population databases (gnomAD no frequency). This variant has not been reported in the literature in individuals affected with RECQL4-related conditions. ClinVar contains an entry for this variant (Variation ID: 933710). Advanced modeling of protein sequence and biophysical properties (such as structural, functional, and spatial information, amino acid conservation, physicochemical variation, residue mobility, and thermodynamic stability) performed at Invitae indicates that this missense variant is not expected to disrupt RECQL4 protein function with a negative predictive value of 80%. In summary, the available evidence is currently insufficient to determine the role of this variant in disease. Therefore, it has been classified as a Variant of Uncertain Significance.